The following is an entry in ClinVar:

ClinVar aggregate classification (germline): Pathogenic (1 of 4 stars; one submission).

Submission:

Labcorp Genetics (formerly Invitae), Labcorp
Classification: Pathogenic. Last evaluated: 2022-08-12. Review status: criteria provided, single submitter. Criteria: Invitae Variant Classification Sherloc (09022015). Collection method: clinical testing. Allele origin: germline.
Comment: A gross deletion of the genomic region encompassing the full coding sequence of the ITPR1 gene has been identified. Loss-of-function variants in ITPR1 are known to be pathogenic (PMID: 27108797). The boundaries of this event are unknown as they extend beyond the assayed region for this gene and therefore may encompass additional genes. For these reasons, this variant has been classified as Pathogenic. A similar copy number variant has been observed in individuals with clinical features of autosomal dominant spinocerebellar ataxia (PMID: 21367767, 21555639). It has also been observed to segregate with disease in related individuals.

Literature cited by the submitters: PubMed 27108797; PubMed 21367767; PubMed 21555639.

NC_000003.11:g.(?_4403828)_(4887909_?)del

Genes: EGOT (eosinophil granule ontogeny transcript; minus strand), ITPR1 (inositol 1,4,5-trisphosphate receptor type 1; plus strand), SUMF1 (sulfatase modifying factor 1; minus strand). Cytogenetic location: 3p26.1.
Variant type: Deletion.
Identifiers: ClinVar variation 2424370 (VCV002424370.4).